The following is an entry in ClinVar:

ClinVar aggregate classification (germline): Conflicting classifications of pathogenicity. Review status: criteria provided, conflicting classifications (1 of 4 stars). 2 submissions from 2 submitters: Uncertain significance (1); Likely benign (1). Last evaluated 2024-12-24.

Allele frequency attached by ClinVar (database versions not stated): TOPMed 0.00001; gnomAD exomes 0.00002; gnomAD 0.00003; ExAC 0.00006.
gnomAD v4.1: 40 of 1,614,028 alleles (0.0025%); highest among the groups gnomAD compares: Middle Eastern, 0.13%; no homozygotes.

Submissions (2):

Ambry Genetics
Classification: Likely benign. Last evaluated: 2024-12-24. Review status: criteria provided, single submitter. Criteria: Ambry Variant Classification Scheme 2023. Collection method: clinical testing. Allele origin: germline.

Labcorp Genetics (formerly Invitae), Labcorp
Classification: Uncertain significance. Last evaluated: 2023-01-07. Review status: criteria provided, single submitter. Criteria: Invitae Variant Classification Sherloc (09022015). Collection method: clinical testing. Allele origin: germline.
Comment: In summary, the available evidence is currently insufficient to determine the role of this variant in disease. Therefore, it has been classified as a Variant of Uncertain Significance. Algorithms developed to predict the effect of missense changes on protein structure and function output the following: SIFT: "Tolerated"; PolyPhen-2: "Benign"; Align-GVGD: "Class C0". The histidine amino acid residue is found in multiple mammalian species, which suggests that this missense change does not adversely affect protein function. This variant has not been reported in the literature in individuals affected with RPS6KC1-related conditions. This variant is present in population databases (rs748570547, gnomAD 0.04%). This sequence change replaces arginine, which is basic and polar, with histidine, which is basic and polar, at codon 820 of the RPS6KC1 protein (p.Arg820His).

NM_012424.6(RPS6KC1):c.2459G>A (p.Arg820His)

Gene: RPS6KC1 (ribosomal protein S6 kinase C1; plus strand). Cytogenetic location: 1q32.3.
Variant type: single nucleotide variant.
Coding change: c.2459G>A on transcript NM_012424.6 (MANE Select); coding-DNA position 2459, G replaced by A.
Protein change: p.Arg820His; replaces arginine 820 with histidine.
Molecular consequence: missense variant. On other transcripts: non-coding transcript variant (4).
Genome position (GRCh38, 1-based): chr1:213,241,935, G>A. VCF-style: chr1-213241935-G-A. GRCh37 (hg19) VCF-style: chr1-213415278-G-A.
Other names: c.2423G>A, p.Arg808His (NM_001136138.4); c.1823G>A, p.Arg608His (NM_001287218.3, NM_001287219.3, NM_001349654.2); c.1064G>A, p.Arg355His (NM_001287220.3, NM_001349664.2, NM_001349665.2 and 8 more transcripts); c.1916G>A, p.Arg639His (NM_001287221.3, NM_001349648.2, NM_001349649.2 and 4 more transcripts); c.2366G>A, p.Arg789His (NM_001349646.2); c.2096G>A, p.Arg699His (NM_001349647.2); c.2459G>A (NM_012424.3); c.1568G>A, p.Arg523His (NM_001349657.2, NM_001349658.2); and 1 more; short protein forms R608H, R468H, R639H, R699H, R808H, R355H, R523H, R789H.
Identifiers: ClinVar variation 2054767 (VCV002054767.5), dbSNP rs748570547, ClinGen allele CA1387619.
Genomic context (GRCh38, chr1:213,241,935, plus strand): 5'-AAGGACTTGGAGTGGTTGAGTCAGCAGTAACTGCAAACAACACAGAAGAAAGCTTATTCC[G>A]TATTTGTAGTCCACTCTCAGGTGCTAATGAATATATTGCAAGCACAGACACTTTAAAAAC-3'
Protein context (NP_036556.2, residues 810-830): TANNTEESLF[Arg820His]ICSPLSGANE